The following is an entry in ClinVar:

ClinVar aggregate classification (germline): Uncertain significance (1 of 4 stars; one submission).

Submission:

GeneDx
Classification: Uncertain significance. Last evaluated: 2023-06-14. Review status: criteria provided, single submitter. Criteria: GeneDx Variant Classification Process June 2021. Collection method: clinical testing. Allele origin: germline. Affected: yes.
Comment: Not observed at significant frequency in large population cohorts (gnomAD); In silico analysis supports that this missense variant has a deleterious effect on protein structure/function; Has not been previously published as pathogenic or benign to our knowledge

NM_001244008.2(KIF1A):c.1498A>G (p.Thr500Ala)

Gene: KIF1A (kinesin family member 1A; minus strand). Cytogenetic location: 2q37.3.
Variant type: single nucleotide variant.
Coding change: c.1498A>G on transcript NM_001244008.2 (MANE Select); coding-DNA position 1498, A replaced by G.
Protein change: p.Thr500Ala; replaces threonine 500 with alanine.
Molecular consequence: missense variant.
Genome position (GRCh38, 1-based): chr2:240,767,345, T>C on the plus strand (A>G on the coding strand, the complement: KIF1A is on the minus strand). VCF-style: chr2-240767345-T-C. GRCh37 (hg19) VCF-style: chr2-241706762-T-C.
Other names: c.1498A>G, p.Thr500Ala (NM_001320705.2, NM_001330289.2, NM_001379638.1); c.1573A>G, p.Thr525Ala (NM_001330290.2, NM_001379631.1, NM_001379634.1 and 2 more transcripts); c.1471A>G, p.Thr491Ala (NM_001379632.1, NM_001379633.1, NM_001379636.1 and 10 more transcripts); c.1546A>G, p.Thr516Ala (NM_001379637.1, NM_001379648.1); short protein forms T491A, T500A, T516A, T525A.
Identifiers: ClinVar variation 3359745 (VCV003359745.1).
Genomic context (GRCh38, chr2:240,767,345, plus strand): 5'-TGTAGTAGAGCAGGCACTCAGACATCAGCGGGTCCTCGTTCAGGTTGACGAGGTGTGGTG[T>C]CTGCAGGGAGACAGGAGGATCATCTCTCTTGCAGAGGGGCAGGAGCCTGATGCTGGCCAC-3'
Protein context (NP_001230937.1, residues 490-510): GTLGVFSPKK[Thr500Ala]PHLVNLNEDP